The following is an entry in ClinVar:

ClinVar aggregate classification (germline): Uncertain significance (0 of 4 stars; one submission).

Conditions:
KIF1A-related disorder. Also called: KIF1A-related disorders; KIF1A-related condition.

gnomAD v4.1: 2 of 1,612,074 alleles (0.00012%); highest among the groups gnomAD compares: Non-Finnish European, 0.00017%; no homozygotes.

Submission:

PreventionGenetics, part of Exact Sciences
Classification: Uncertain significance for KIF1A-related condition. Last evaluated: 2024-09-13. Review status: no assertion criteria provided. Collection method: clinical testing. Allele origin: germline.
Comment: The KIF1A c.2258A>G variant is predicted to result in the amino acid substitution p.Lys753Arg. To our knowledge, this variant has not been reported in the literature or in a large population database, indicating this variant is rare. At this time, the clinical significance of this variant is uncertain due to the absence of conclusive functional and genetic evidence.

NM_001244008.2(KIF1A):c.2258A>G (p.Lys753Arg)

Gene: KIF1A (kinesin family member 1A; minus strand). Cytogenetic location: 2q37.3.
Variant type: single nucleotide variant.
Coding change: c.2258A>G on transcript NM_001244008.2 (MANE Select); coding-DNA position 2258, A replaced by G.
Protein change: p.Lys753Arg; replaces lysine 753 with arginine.
Molecular consequence: missense variant.
Genome position (GRCh38, 1-based): chr2:240,761,236, T>C on the plus strand (A>G on the coding strand, the complement: KIF1A is on the minus strand). VCF-style: chr2-240761236-T-C. GRCh37 (hg19) VCF-style: chr2-241700653-T-C.
Other names: c.2258A>G, p.Lys753Arg (NM_001320705.2, NM_001330289.2, NM_001379638.1); c.2333A>G, p.Lys778Arg (NM_001330290.2, NM_001379631.1, NM_001379634.1 and 2 more transcripts); c.2231A>G, p.Lys744Arg (NM_001379632.1, NM_001379633.1, NM_001379636.1 and 10 more transcripts); c.2306A>G, p.Lys769Arg (NM_001379637.1, NM_001379648.1); short protein forms K744R, K753R, K769R, K778R.
Identifiers: ClinVar variation 3347711 (VCV003347711.1).